The following is an entry in ClinVar:

ClinVar aggregate classification (germline): Likely benign. Review status: criteria provided, multiple submitters, no conflicts (2 of 4 stars). 3 submissions from 3 submitters: Likely benign (2). 1 of the submissions does not count toward it. Last evaluated 2025-12-03.

Conditions:
KANK1-related disorder. Also called: KANK1-related condition.
Cerebral palsy, spastic quadriplegic, 2 (CPSQ2). Identifiers: Orphanet 210141, MedGen C2752061, MONDO:0013033, OMIM 612900.

Allele frequency attached by ClinVar (database versions not stated): ESP Exome Variant Server 0.00015; gnomAD 0.00028 and 0.00031; ExAC 0.00010; gnomAD exomes 0.00010.
gnomAD v4.1: 88 of 1,613,914 alleles (0.0055%); highest among the groups gnomAD compares: Admixed American, 0.055%; no homozygotes.

Submissions (3):

Labcorp Genetics (formerly Invitae), Labcorp
Classification: Likely benign. Last evaluated: 2025-12-03. Review status: criteria provided, single submitter. Criteria: Invitae Variant Classification Sherloc (09022015). Collection method: clinical testing. Allele origin: germline.

Fulgent Genetics
Classification: Likely benign for Cerebral palsy, spastic quadriplegic, 2. Last evaluated: 2021-12-14. Review status: criteria provided, single submitter. Criteria: ACMG Guidelines, 2015. Collection method: clinical testing. Allele origin: unknown.

PreventionGenetics, part of Exact Sciences
Classification: Likely benign for KANK1-related condition. Last evaluated: 2022-10-24. Review status: no assertion criteria provided. Collection method: clinical testing. Allele origin: germline. Not counted in ClinVar's aggregate classification.
Comment: This variant is classified as likely benign based on ACMG/AMP sequence variant interpretation guidelines (Richards et al. 2015 PMID: 25741868, with internal and published modifications).

NM_015158.5(KANK1):c.3807G>A (p.Thr1269=)

Gene: KANK1 (KN motif and ankyrin repeat domains 1; plus strand). Cytogenetic location: 9p24.3.
Variant type: single nucleotide variant.
Coding change: c.3807G>A on transcript NM_015158.5 (MANE Select); coding-DNA position 3807, G replaced by A.
Protein change: p.Thr1269=; no amino-acid change (threonine 1269 retained).
Molecular consequence: synonymous variant. On other transcripts: non-coding transcript variant (1).
Genome position (GRCh38, 1-based): chr9:742,315, G>A. VCF-style: chr9-742315-G-A. GRCh37 (hg19) VCF-style: chr9-742315-G-A.
Other names: c.3807G>A (NM_015158.3); c.3807G>A, p.Thr1269= (NM_001256876.3, NM_001256877.3, NM_001354334.2); c.3567G>A, p.Thr1189= (NM_001354331.2); c.3753G>A, p.Thr1251= (NM_001354332.2); c.3333G>A, p.Thr1111= (NM_001354333.2, NM_001354335.2, NM_001354337.2 and 2 more transcripts); c.3039G>A, p.Thr1013= (NM_001354336.2); c.3279G>A, p.Thr1093= (NM_001354338.2, NM_001354340.2, NM_001354344.2); c.3093G>A, p.Thr1031= (NM_001354339.2, NM_001354342.2, NM_001354343.2).
Identifiers: ClinVar variation 1581208 (VCV001581208.11), dbSNP rs143880438, ClinGen allele CA4961176.
Genomic context (GRCh38, chr9:742,315, plus strand): 5'-GGTGAAGGGCCTTCTGGCCTGTGGGGCTGATGTCAACATCCAGGATGACGAGGGCTCCAC[G>A]GCCCTCATGTGTGCCAGCGAGCACGGACACGTGGAGATTGTCAAGCTGCTGCTGGCCCAG-3'
Protein context (NP_055973.2, residues 1259-1279): DVNIQDDEGS[Thr1269=]ALMCASEHGH